The following is an entry in ClinVar:

NM_005881.4(BCKDK):c.1196G>A (p.Arg399Gln)

Gene: BCKDK (branched chain keto acid dehydrogenase kinase; plus strand). Cytogenetic location: 16p11.2.
Variant type: single nucleotide variant.
Coding change: c.1196G>A on transcript NM_005881.4 (MANE Select); coding-DNA position 1196, G replaced by A.
Protein change: p.Arg399Gln; replaces arginine 399 with glutamine.
Molecular consequence: missense variant. On other transcripts: 3 prime UTR variant (2).
Genome position (GRCh38, 1-based): chr16:31,112,222, G>A. VCF-style: chr16-31112222-G-A. GRCh37 (hg19) VCF-style: chr16-31123543-G-A.
Other names: c.*191G>A (NM_001122957.4, NM_001271926.3); short protein forms R399Q.
Identifiers: ClinVar variation 1475943 (VCV001475943.6), dbSNP rs766922526, ClinGen allele CA8021802.

ClinVar aggregate classification (germline): Uncertain significance (1 of 4 stars; one submission).

Conditions:
Branched-chain keto acid dehydrogenase kinase deficiency (BCKDKD). Also called: BCKDK DEFICIENCY. Identifiers: Orphanet 308410, MedGen C3554078, MONDO:0013970, OMIM 614923.

Allele frequency attached by ClinVar (database versions not stated): TOPMed below 0.00001; ExAC 0.00001; gnomAD 0.00001; gnomAD exomes 0.00001.
gnomAD v4.1: 10 of 1,611,572 alleles (0.00062%); highest among the groups gnomAD compares: Admixed American, 0.0033%; no homozygotes.

Submission:

Labcorp Genetics (formerly Invitae), Labcorp
Classification: Uncertain significance for Branched-chain keto acid dehydrogenase kinase deficiency. Last evaluated: 2021-08-23. Review status: criteria provided, single submitter. Criteria: Invitae Variant Classification Sherloc (09022015). Collection method: clinical testing. Allele origin: germline.
Comment: This sequence change replaces arginine with glutamine at codon 399 of the BCKDK protein (p.Arg399Gln). The arginine residue is highly conserved and there is a small physicochemical difference between arginine and glutamine. This variant is present in population databases (rs766922526, ExAC 0.009%). This variant has not been reported in the literature in individuals affected with BCKDK-related conditions. Algorithms developed to predict the effect of missense changes on protein structure and function are either unavailable or do not agree on the potential impact of this missense change (SIFT: "Deleterious"; PolyPhen-2: "Probably Damaging"; Align-GVGD: "Class C0"). Algorithms developed to predict the effect of sequence changes on RNA splicing suggest that this variant may create or strengthen a splice site. In summary, the available evidence is currently insufficient to determine the role of this variant in disease. Therefore, it has been classified as a Variant of Uncertain Significance.